The following is an entry in ClinVar:

NM_000091.5(COL4A3):c.190G>A (p.Gly64Arg)

Genes: MFF-DT (MFF divergent transcript; minus strand), COL4A3 (collagen type IV alpha 3 chain; plus strand). Cytogenetic location: 2q36.3.
Variant type: single nucleotide variant.
Coding change: c.190G>A on transcript NM_000091.5 (MANE Select); coding-DNA position 190, G replaced by A.
Protein change: p.Gly64Arg; replaces glycine 64 with arginine.
Molecular consequence: missense variant.
Genome position (GRCh38, 1-based): chr2:227,240,188, G>A. VCF-style: chr2-227240188-G-A. GRCh37 (hg19) VCF-style: chr2-228104904-G-A.
Other names: short protein forms G64R.
Identifiers: ClinVar variation 4817208 (VCV004817208.1).

ClinVar aggregate classification (germline): Likely pathogenic (1 of 4 stars; one submission).

Conditions:
Alport syndrome. Also called: Hemorrhagic familial nephritis; Hemorrhagic hereditary nephritis; Congenital hereditary hematuria. Identifiers: Orphanet 63, MedGen C1567741, MONDO:0018965.

Submission:

Natera, Inc.
Classification: Likely pathogenic for Alport syndrome. Last evaluated: 2025-08-28. Review status: criteria provided, single submitter. Criteria: Natera Variant Classification Schema (03/2026). Collection method: clinical testing. Allele origin: germline.
Comment: The c.190G>A variant in COL4A3 is a missense variant predicted to cause substitution of glycine to arginine at amino acid 64. This variant is rare in the general population with a frequency below the threshold expected for the associated phenotype(s). This variant is located in a functionally critical region of the protein. Computational prediction algorithms indicate this variant is likely to affect gene or protein function. Given the available evidence, this variant is classified as Likely Pathogenic.